The following is an entry in ClinVar:

NM_001009944.3(PKD1):c.11260C>G (p.Leu3754Val)

Genes: PKD1 (polycystin 1, transient receptor potential channel interacting; minus strand), PKD1-AS1 (PKD1 antisense RNA 1; plus strand). Cytogenetic location: 16p13.3.
Variant type: single nucleotide variant.
Coding change: c.11260C>G on transcript NM_001009944.3 (MANE Select); coding-DNA position 11260, C replaced by G.
Protein change: p.Leu3754Val; replaces leucine 3754 with valine.
Molecular consequence: missense variant.
Genome position (GRCh38, 1-based): chr16:2,092,489, G>C on the plus strand (C>G on the coding strand, the complement: PKD1 is on the minus strand). VCF-style: chr16-2092489-G-C. GRCh37 (hg19) VCF-style: chr16-2142490-G-C.
Other names: c.11257C>G, p.Leu3753Val (NM_000296.4); short protein forms L3753V, L3754V.
Identifiers: ClinVar variation 4995260 (VCV004995260.1).

ClinVar aggregate classification (germline): Uncertain significance (1 of 4 stars; one submission).

Conditions:
PKD1-related disorder. Also called: PKD1-related condition.

Submission:

PreventionGenetics, part of Exact Sciences
Classification: Uncertain significance for PKD1-related condition. Last evaluated: 2025-11-06. Review status: criteria provided, single submitter. Criteria: ACMG Guidelines, 2015. Collection method: clinical testing. Allele origin: germline.
Comment: The PKD1 c.11260C>G variant is predicted to result in the amino acid substitution p.Leu3754Val. To our knowledge, this variant has not been reported in the literature or in a large population database (gnomAD), indicating this variant is rare. At this time, the clinical significance of this variant is uncertain due to the absence of conclusive functional and genetic evidence.